The following is an entry in ClinVar:

ClinVar aggregate classification (germline): Uncertain significance. Review status: criteria provided, multiple submitters, no conflicts (2 of 4 stars). 3 submissions from 3 submitters: Uncertain significance (3). Last evaluated 2024-09-24.

Conditions:
Webb-Dattani syndrome (WEDAS). Also called: HYPOTHALAMO-PITUITARY-FRONTOTEMPORAL HYPOPLASIA WITH VISUAL AND RENAL ANOMALIES. Identifiers: MedGen C4014708, MONDO:0014404, OMIM 615926.

Allele frequency attached by ClinVar (database versions not stated): TOPMed 0.00022; ESP Exome Variant Server 0.00023; gnomAD 0.00024 and 0.00025.

Submissions (3):

Ambry Genetics
Classification: Uncertain significance. Last evaluated: 2024-09-24. Review status: criteria provided, single submitter. Criteria: Ambry Variant Classification Scheme 2023. Collection method: clinical testing. Allele origin: germline.

Labcorp Genetics (formerly Invitae), Labcorp
Classification: Uncertain significance. Last evaluated: 2023-08-30. Review status: criteria provided, single submitter. Criteria: Invitae Variant Classification Sherloc (09022015). Collection method: clinical testing. Allele origin: germline.
Comment: This sequence change replaces proline, which is neutral and non-polar, with serine, which is neutral and polar, at codon 334 of the ARNT2 protein (p.Pro334Ser). This variant is present in population databases (rs145079722, gnomAD 0.05%). This variant has not been reported in the literature in individuals affected with ARNT2-related conditions. ClinVar contains an entry for this variant (Variation ID: 801401). An algorithm developed to predict the effect of missense changes on protein structure and function (PolyPhen-2) suggests that this variant is likely to be disruptive. In summary, the available evidence is currently insufficient to determine the role of this variant in disease. Therefore, it has been classified as a Variant of Uncertain Significance.

Mendelics
Classification: Uncertain significance for Webb-Dattani syndrome. Last evaluated: 2019-05-28. Review status: criteria provided, single submitter. Criteria: Mendelics Assertion Criteria 2017. Collection method: clinical testing. Allele origin: unknown.

NM_014862.4(ARNT2):c.1000C>T (p.Pro334Ser)

Gene: ARNT2 (aryl hydrocarbon receptor nuclear translocator 2; plus strand). Cytogenetic location: 15q25.1.
Variant type: single nucleotide variant.
Coding change: c.1000C>T on transcript NM_014862.4 (MANE Select); coding-DNA position 1000, C replaced by T.
Protein change: p.Pro334Ser; replaces proline 334 with serine.
Molecular consequence: missense variant.
Genome position (GRCh38, 1-based): chr15:80,552,685, C>T. VCF-style: chr15-80552685-C-T. GRCh37 (hg19) VCF-style: chr15-80845026-C-T.
Other names: c.1000C>T (NM_014862.3); short protein forms P334S.
Identifiers: ClinVar variation 801401 (VCV000801401.8), dbSNP rs145079722, ClinGen allele CA7691885.